The following is an entry in ClinVar:

ClinVar aggregate classification (germline): Uncertain significance (1 of 4 stars; one submission).

Conditions:
Huntington disease-like 1 (HDL1). Also called: HUNTINGTON-LIKE NEURODEGENERATIVE DISORDER 1; HUNTINGTON-LIKE NEURODEGENERATIVE DISORDER, AUTOSOMAL DOMINANT; PRION DISEASE, EARLY-ONSET, WITH PROMINENT PSYCHIATRIC FEATURES. Identifiers: Orphanet 157941, MedGen C1864112, MONDO:0011299, OMIM 603218.

Submission:

Labcorp Genetics (formerly Invitae), Labcorp
Classification: Uncertain significance for Huntington disease-like 1. Last evaluated: 2022-10-26. Review status: criteria provided, single submitter. Criteria: Invitae Variant Classification Sherloc (09022015). Collection method: clinical testing. Allele origin: germline.
Comment: In summary, the available evidence is currently insufficient to determine the role of this variant in disease. Therefore, it has been classified as a Variant of Uncertain Significance. Advanced modeling of protein sequence and biophysical properties (such as structural, functional, and spatial information, amino acid conservation, physicochemical variation, residue mobility, and thermodynamic stability) has been performed at Invitae for this missense variant, however the output from this modeling did not meet the statistical confidence thresholds required to predict the impact of this variant on PRNP protein function. This variant has not been reported in the literature in individuals affected with PRNP-related conditions. This variant is not present in population databases (gnomAD no frequency). This sequence change replaces glycine, which is neutral and non-polar, with aspartic acid, which is acidic and polar, at codon 93 of the PRNP protein (p.Gly93Asp).

NM_000311.5(PRNP):c.278G>A (p.Gly93Asp)

Gene: PRNP (prion protein (Kanno blood group); plus strand). Cytogenetic location: 20p13.
Variant type: single nucleotide variant.
Coding change: c.278G>A on transcript NM_000311.5 (MANE Select); coding-DNA position 278, G replaced by A.
Protein change: p.Gly93Asp; replaces glycine 93 with aspartic acid.
Molecular consequence: missense variant. On other transcripts: synonymous variant (1).
Genome position (GRCh38, 1-based): chr20:4,699,498, G>A. VCF-style: chr20-4699498-G-A. GRCh37 (hg19) VCF-style: chr20-4680144-G-A.
Other names: c.278G>A, p.Gly93Asp (NM_001080121.3, NM_001080122.3, NM_001080123.3 and 1 more transcripts); c.189G>A, p.Arg63= (NM_001271561.3); short protein forms G93D.
Identifiers: ClinVar variation 1722211 (VCV001722211.6), dbSNP rs2514373224, ClinGen allele CA408152002.